The following is an entry in ClinVar:

NM_018418.5(SPATA7):c.1446C>T (p.Asn482=)

Gene: SPATA7 (spermatogenesis associated 7; plus strand). Cytogenetic location: 14q31.3.
Variant type: single nucleotide variant.
Coding change: c.1446C>T on transcript NM_018418.5 (MANE Select); coding-DNA position 1446, C replaced by T.
Protein change: p.Asn482=; no amino-acid change (asparagine 482 retained).
Molecular consequence: synonymous variant.
Genome position (GRCh38, 1-based): chr14:88,438,068, C>T. VCF-style: chr14-88438068-C-T. GRCh37 (hg19) VCF-style: chr14-88904412-C-T.
Other names: c.1350C>T, p.Asn450= (NM_001040428.4).
Identifiers: ClinVar variation 289311 (VCV000289311.18), dbSNP rs766017194, ClinGen allele CA7298813.

ClinVar aggregate classification (germline): Conflicting classifications of pathogenicity. Review status: criteria provided, conflicting classifications (1 of 4 stars). 4 submissions from 4 submitters: Uncertain significance (1); Likely benign (2). 1 of the submissions does not count toward it. Last evaluated 2025-09-17.

Conditions:
SPATA7-related disorder. Also called: SPATA7-related disorders; SPATA7-related condition. Identifiers: MedGen CN239422.
Leber congenital amaurosis 3 (LCA3). Also called: SPATA7-Related Retinitis Pigmentosa. Identifiers: MedGen C1858677, MONDO:0011415, OMIM 604232.

Allele frequency attached by ClinVar (database versions not stated): gnomAD 0.00004 and 0.00005; TOPMed 0.00006.
gnomAD v4.1: 49 of 1,613,910 alleles (0.003%); highest among the groups gnomAD compares: African/African-American, 0.004%; no homozygotes.

Submissions (4):

Labcorp Genetics (formerly Invitae), Labcorp
Classification: Likely benign for Leber congenital amaurosis 3. Last evaluated: 2025-09-17. Review status: criteria provided, single submitter. Criteria: Invitae Variant Classification Sherloc (09022015). Collection method: clinical testing. Allele origin: germline.

Blueprint Genetics
Classification: Likely benign. Last evaluated: 2022-05-06. Review status: criteria provided, single submitter. Criteria: ACMG Guidelines, 2015. Collection method: clinical testing. Allele origin: germline.

Eurofins Ntd Llc (ga)
Classification: Uncertain significance. Last evaluated: 2016-08-25. Review status: criteria provided, single submitter. Criteria: EGL Classification Definitions 2015. Collection method: clinical testing. Allele origin: germline. Observed: 1 variant allele, 1 heterozygote.

PreventionGenetics, part of Exact Sciences
Classification: Likely benign for SPATA7-related condition. Last evaluated: 2019-06-25. Review status: no assertion criteria provided. Collection method: clinical testing. Allele origin: germline. Not counted in ClinVar's aggregate classification.
Comment: This variant is classified as likely benign based on ACMG/AMP sequence variant interpretation guidelines (Richards et al. 2015 PMID: 25741868, with internal and published modifications).